The following is an entry in ClinVar:

ClinVar aggregate classification (germline): Benign/Likely benign. Review status: criteria provided, multiple submitters, no conflicts (2 of 4 stars). 5 submissions from 5 submitters: Benign (1); Likely benign (3). 1 of the submissions does not count toward it. Last evaluated 2026-01-12.

Conditions:
LAMA5-related disorder. Also called: LAMA5-Related Disorders; LAMA5-related condition.

Allele frequency attached by ClinVar (database versions not stated): 1000 Genomes Project 30x 0.00203; 1000 Genomes Project 0.00240; gnomAD 0.00292 and 0.00303; TOPMed 0.00331; gnomAD exomes 0.00333 and 0.00459; ExAC 0.00370; ESP Exome Variant Server 0.00469.
gnomAD v4.1: 7,232 of 1,610,734 alleles (0.45%); highest among the groups gnomAD compares: Non-Finnish European, 0.51%; 22 homozygotes.

Submissions (5):

Labcorp Genetics (formerly Invitae), Labcorp
Classification: Benign. Last evaluated: 2026-01-12. Review status: criteria provided, single submitter. Criteria: Invitae Variant Classification Sherloc (09022015). Collection method: clinical testing. Allele origin: germline.

Blueprint Genetics
Classification: Likely benign. Last evaluated: 2024-11-28. Review status: criteria provided, single submitter. Criteria: ACMG Guidelines, 2015. Collection method: clinical testing. Allele origin: germline.

CeGaT Center for Human Genetics Tuebingen
Classification: Likely benign. Last evaluated: 2022-11-01. Review status: criteria provided, single submitter. Criteria: CeGaT Center For Human Genetics Tuebingen Variant Classification Criteria Version 2. Collection method: clinical testing. Allele origin: germline. Affected: yes. Observed: 3 variant alleles.
Comment: LAMA5: BP4, BP7, BS2

Breakthrough Genomics
Classification: Likely benign. Review status: criteria provided, single submitter. Criteria: ACMG Guidelines, 2015. Collection method: not provided. Allele origin: germline. Inheritance: Autosomal recessive inheritance. Affected: yes.

PreventionGenetics, part of Exact Sciences
Classification: Benign for LAMA5-related condition. Last evaluated: 2021-03-03. Review status: no assertion criteria provided. Collection method: clinical testing. Allele origin: germline. Not counted in ClinVar's aggregate classification.
Comment: This variant is classified as benign based on ACMG/AMP sequence variant interpretation guidelines (Richards et al. 2015 PMID: 25741868, with internal and published modifications).

NM_005560.6(LAMA5):c.2049C>G (p.Gly683=)

Gene: LAMA5 (laminin subunit alpha 5; minus strand). Cytogenetic location: 20q13.33.
Variant type: single nucleotide variant.
Coding change: c.2049C>G on transcript NM_005560.6 (MANE Select); coding-DNA position 2049, C replaced by G.
Protein change: p.Gly683=; no amino-acid change (glycine 683 retained).
Molecular consequence: synonymous variant.
Genome position (GRCh38, 1-based): chr20:62,337,705, G>C on the plus strand (C>G on the coding strand, the complement: LAMA5 is on the minus strand). VCF-style: chr20-62337705-G-C. GRCh37 (hg19) VCF-style: chr20-60912761-G-C.
Identifiers: ClinVar variation 780193 (VCV000780193.45), dbSNP rs75464861, ClinGen allele CA9943653.